The following is an entry in ClinVar:

NM_001042492.3(NF1):c.4904_4905insAAT (p.Tyr1635Ter)

Gene: NF1 (neurofibromin 1; plus strand). Cytogenetic location: 17q11.2.
Variant type: Insertion.
Coding change: c.4904_4905insAAT on transcript NM_001042492.3 (MANE Select); coding-DNA positions 4904 to 4905, AAT inserted.
Protein change: p.Tyr1635Ter; replaces tyrosine 1635 with a stop codon.
Molecular consequence: nonsense.
Genome position: GRCh38 VCF-style: chr17-31325888-A-AAAT. GRCh37 (hg19) VCF-style: chr17-29652906-A-AAAT.
Other names: c.4841_4842insAAT, p.Tyr1614_Gln1948delinsTer (NM_000267.4); short protein forms Y1635*, Y1614*.
Identifiers: ClinVar variation 141480 (VCV000141480.3), dbSNP rs587781780, ClinGen allele CA165554.
Genomic context (GRCh38, chr17:31,325,888, plus strand): 5'-CTGGTCAAATCAATGGTGATTTGCTGATATACCATGTCTTACTGACTTTAAAGCCATATT[A>AAAT]TGCAAAGCCATATGAAATTGTAGTGGACCTTACCCATACCGGGCCTAGCAATCGCTTTAA-3'

ClinVar aggregate classification (germline): Pathogenic (1 of 4 stars; one submission).

Conditions:
Hereditary cancer-predisposing syndrome. Also called: Neoplastic Syndromes, Hereditary; Tumor predisposition; Hereditary Cancer Syndrome; Hereditary neoplastic syndrome. Identifiers: Orphanet 140162, MedGen C0027672, MeSH D009386, MONDO:0015356.

Submission:

Ambry Genetics
Classification: Pathogenic for Hereditary cancer-predisposing syndrome. Last evaluated: 2014-03-13. Review status: criteria provided, single submitter. Criteria: Ambry Autosomal Dominant and X-Linked criteria (10/2015). Collection method: clinical testing. Allele origin: germline. Observed: 1 variant allele.
Comment: The c.4904_4905insAAT pathogenic mutation (also known as p.Y1635*), located in coding exon 37 of the NF1 gene, results from the insertion of 3 nucleotides causing the insertion of a stop codon within coding exon 37 at amino acid position 1635. In one study, a single nucleotide substitution (c.4905T>G) that also results in a stop codon at the same amino acid position, p.Y1635*, was identified in an NF1 patient (Sabbagh, A et al. Hum Mutat. 2013 Nov;34(11):1510-8). In addition to the clinical data presented in the literature, since premature stop codons are typically deleterious in nature, this alteration is interpreted as a disease-causing mutation (ACMG Recommendations for Standards for Interpretation and Reporting of Sequence Variations. Revision 2007. Genet Med. 2008;10:294). Of note, depending on the NF1 isoform used for nomenclature, this alteration can also be described as c.4841_4842insAAT (p.Y1614*).